The following is an entry in ClinVar:

NM_003072.5(SMARCA4):c.147G>A (p.Pro49=)

Gene: SMARCA4 (SWI/SNF related BAF chromatin remodeling complex subunit ATPase 4; plus strand). Cytogenetic location: 19p13.2.
Variant type: single nucleotide variant.
Coding change: c.147G>A on transcript NM_003072.5 (MANE Select); coding-DNA position 147, G replaced by A.
Protein change: p.Pro49=; no amino-acid change (proline 49 retained).
Molecular consequence: synonymous variant. On other transcripts: non-coding transcript variant (1).
Genome position (GRCh38, 1-based): chr19:10,984,298, G>A. VCF-style: chr19-10984298-G-A. GRCh37 (hg19) VCF-style: chr19-11094974-G-A.
Other names: c.147G>A, p.Pro49= (NM_001128844.3, NM_001128845.2, NM_001128846.2 and 5 more transcripts).
Identifiers: ClinVar variation 328018 (VCV000328018.35), dbSNP rs758438795, ClinGen allele CA9203409.

ClinVar aggregate classification (germline): Benign/Likely benign. Review status: criteria provided, multiple submitters, no conflicts (2 of 4 stars). 9 submissions from 9 submitters: Benign (2); Likely benign (6). 1 of the submissions does not count toward it. Last evaluated 2026-07-08.

Conditions:
Coffin-Siris syndrome. Identifiers: Orphanet 1465, MedGen C0265338, MONDO:0015452.
Intellectual disability, autosomal dominant 16 (CSS4). Also called: COFFIN-SIRIS SYNDROME 4. Identifiers: Orphanet 1465, MedGen C3553249, MONDO:0013821, OMIM 614609.
Rhabdoid tumor predisposition syndrome 2 (RTPS2). Identifiers: Orphanet 231108, Orphanet 69077, MedGen C2750074, MONDO:0013224, OMIM 613325.
SMARCA4-related disorder. Also called: SMARCA4-related condition.
Hereditary cancer-predisposing syndrome. Also called: Tumor predisposition; Neoplastic Syndromes, Hereditary; Hereditary neoplastic syndrome; Hereditary Cancer Syndrome. Identifiers: Orphanet 140162, MedGen C0027672, MeSH D009386, MONDO:0015356.

Allele frequency attached by ClinVar (database versions not stated): gnomAD 0.00004; TOPMed 0.00003.
gnomAD v4.1: 35 of 1,607,230 alleles (0.0022%); highest among the groups gnomAD compares: South Asian, 0.0044%; no homozygotes.

Submissions (9):

Myriad Genetics, Inc.
Classification: Benign for Rhabdoid tumor predisposition syndrome 2. Last evaluated: 2026-07-08. Review status: criteria provided, single submitter. Criteria: Myriad Autosomal Dominant, Autosomal Recessive and X-Linked Classification Criteria (2023). Collection method: clinical testing. Allele origin: unknown.
Comment: This variant is considered benign. This variant is a silent/synonymous amino acid change and it is not expected to impact splicing.

Labcorp Genetics (formerly Invitae), Labcorp
Classification: Likely benign for Rhabdoid tumor predisposition syndrome 2. Last evaluated: 2026-01-09. Review status: criteria provided, single submitter. Criteria: Invitae Variant Classification Sherloc (09022015). Collection method: clinical testing. Allele origin: germline.

CeGaT Center for Human Genetics Tuebingen
Classification: Likely benign. Last evaluated: 2025-10-01. Review status: criteria provided, single submitter. Criteria: CeGaT Center For Human Genetics Tuebingen Variant Classification Criteria Version 2. Collection method: clinical testing. Allele origin: germline. Affected: yes. Observed: 1 variant allele.
Comment: SMARCA4: BP4, BP7

ARUP Laboratories, Molecular Genetics and Genomics, ARUP Laboratories
Classification: Likely benign. Last evaluated: 2025-06-23. Review status: criteria provided, single submitter. Criteria: ARUP Molecular Germline Variant Investigation Process 2024. Collection method: clinical testing. Allele origin: germline.

Genome-Nilou Lab
Classification: Likely benign for Intellectual disability, autosomal dominant 16. Last evaluated: 2021-07-15. Review status: criteria provided, single submitter. Criteria: ACMG Guidelines, 2015. Collection method: clinical testing. Allele origin: germline. Affected: no.

GeneDx
Classification: Likely benign. Last evaluated: 2020-03-19. Review status: criteria provided, single submitter. Criteria: GeneDx Variant Classification Process June 2021. Collection method: clinical testing. Allele origin: germline. Affected: yes.

Illumina Laboratory Services, Illumina
Classification: Benign for Coffin-Siris syndrome. Last evaluated: 2018-01-12. Review status: criteria provided, single submitter. Criteria: ICSL Variant Classification Criteria 13 December 2019. Collection method: clinical testing. Allele origin: germline.
Comment: This variant was observed in the ICSL laboratory as part of a predisposition screen in an ostensibly healthy population. It had not been previously curated by ICSL or reported in the Human Gene Mutation Database (HGMD: prior to June 1st, 2018), and was therefore a candidate for classification through an automated scoring system. Utilizing variant allele frequency, disease prevalence and penetrance estimates, and inheritance mode, an automated score was calculated to assess if this variant is too frequent to cause the disease. Based on the score and internal cut-off values, a variant classified as benign is not then subjected to further curation. The score for this variant resulted in a classification of benign for this disease.

Ambry Genetics
Classification: Likely benign for Hereditary cancer-predisposing syndrome. Last evaluated: 2015-08-31. Review status: criteria provided, single submitter. Criteria: Ambry Variant Classification Scheme 2023. Collection method: clinical testing. Allele origin: germline.

PreventionGenetics, part of Exact Sciences
Classification: Likely benign for SMARCA4-related condition. Last evaluated: 2023-04-03. Review status: no assertion criteria provided. Collection method: clinical testing. Allele origin: germline. Not counted in ClinVar's aggregate classification.
Comment: This variant is classified as likely benign based on ACMG/AMP sequence variant interpretation guidelines (Richards et al. 2015 PMID: 25741868, with internal and published modifications).